The following is an entry in ClinVar:

NM_032638.5(GATA2):c.1030A>G (p.Arg344Gly)

Gene: GATA2 (GATA binding protein 2; minus strand). Cytogenetic location: 3q21.3.
Variant type: single nucleotide variant.
Coding change: c.1030A>G on transcript NM_032638.5 (MANE Select); coding-DNA position 1030, A replaced by G.
Protein change: p.Arg344Gly; replaces arginine 344 with glycine.
Molecular consequence: missense variant. On other transcripts: intron variant (1).
Genome position (GRCh38, 1-based): chr3:128,481,932, T>C on the plus strand (A>G on the coding strand, the complement: GATA2 is on the minus strand). VCF-style: chr3-128481932-T-C. GRCh37 (hg19) VCF-style: chr3-128200775-T-C.
Other names: c.1030A>G, p.Arg344Gly (NM_001145661.2); c.1018-30A>G (NM_001145662.1); short protein forms R344G.
Identifiers: ClinVar variation 2100952 (VCV002100952.4), dbSNP rs2472921195, ClinGen allele CA354413692.

ClinVar aggregate classification (germline): Uncertain significance (1 of 4 stars; one submission).

Conditions:
Deafness-lymphedema-leukemia syndrome. Also called: Lymphedema, primary, with myelodysplasia; Emberger syndrome. Identifiers: Orphanet 3226, MedGen C3279664, MONDO:0013540, OMIM 614038.
Monocytopenia with susceptibility to infections. Also called: GATA2 DEFICIENCY; MONOCYTOPENIA AND MYCOBACTERIAL INFECTION SYNDROME; MONOCYTOPENIA WITH SUSCEPTIBILITY TO MYCOBACTERIAL, FUNGAL, AND PAPILLOMAVIRUS INFECTIONS AND MYELODYSPLASIA; COMBINED IMMUNODEFICIENCY WITH SUSCEPTIBILITY TO MYCOBACTERIAL, VIRAL, AND FUNGAL INFECTIONS; Dendritic cell, monocyte, B lymphocyte, and natural killer lymphocyte deficiency; IMMUNODEFICIENCY 21. Identifiers: Orphanet 228423, MedGen C3280030, MONDO:0013607, OMIM 614172.

Submission:

Labcorp Genetics (formerly Invitae), Labcorp
Classification: Uncertain significance for Monocytopenia with susceptibility to infections; Deafness-lymphedema-leukemia syndrome. Last evaluated: 2024-02-17. Review status: criteria provided, single submitter. Criteria: Invitae Variant Classification Sherloc (09022015). Collection method: clinical testing. Allele origin: germline.
Comment: This sequence change replaces arginine, which is basic and polar, with glycine, which is neutral and non-polar, at codon 344 of the GATA2 protein (p.Arg344Gly). This variant is not present in population databases (gnomAD no frequency). This variant has not been reported in the literature in individuals affected with GATA2-related conditions. ClinVar contains an entry for this variant (Variation ID: 2100952). Advanced modeling of protein sequence and biophysical properties (such as structural, functional, and spatial information, amino acid conservation, physicochemical variation, residue mobility, and thermodynamic stability) has been performed at Invitae for this missense variant, however the output from this modeling did not meet the statistical confidence thresholds required to predict the impact of this variant on GATA2 protein function. In summary, the available evidence is currently insufficient to determine the role of this variant in disease. Therefore, it has been classified as a Variant of Uncertain Significance.